The following is an entry in ClinVar:

ClinVar aggregate classification (germline): Benign (1 of 4 stars; one submission).

Conditions:
Maturity-onset diabetes of the young (MODY). Also called: Maturity onset diabetes mellitus in young. Identifiers: Orphanet 552, MedGen C0342276, MONDO:0018911, HP:0004904.

Submission:

Clinical Genomics, Uppaluri K&H Personalized Medicine Clinic
Classification: Benign for Maturity-onset diabetes of the young. Review status: criteria provided, single submitter. Criteria: K & H Uppaluri Personalized Medicine Clinic Variant Classification & Assertion Criteria_Updated V.1. Collection method: research. Allele origin: unknown. Inheritance: Autosomal dominant inheritance.
Comment: Potent mutations in HNF4A are associated with poor insulin secretion in response to hyperglycemia. Associated with MODY1. Patients initially respond well to sulfonylureas but eventually become insulin dependent. However, more evidence is required to ascertain the role of this particular variant rs548863430 in MODY, yet.

Literature cited by the submitters: DOI 10.1159/000334532; PubMed 18268044; PubMed 17563455; PubMed 32583173; PubMed 35052457; PubMed 35118593.

NM_175914.5(HNF4A):c.*2796AC[1]

Gene: HNF4A (hepatocyte nuclear factor 4 alpha; plus strand). Cytogenetic location: 20q13.12.
Variant type: Microsatellite.
Coding change: c.*2796AC[1] on transcript NM_175914.5 (MANE Select); one copy of the 2-base unit AC starting at c.*2796; the reference has two copies in a row; one copy, 2 bases deleted.
Molecular consequence: 3 prime UTR variant.
Genome position (GRCh38, 1-based): chr20:44,432,463-44,432,464, AC deleted; deleting any 2 consecutive bases within chr20:44,432,461-44,432,464 gives the same sequence; the position shown is the placement nearest the transcript's 3' end. VCF-style (leftmost placement, unchanged base first): chr20-44432460-GAC-G. GRCh37 (hg19) VCF-style: chr20-43061100-GAC-G.
Other names: c.*2796AC[1] (NM_000457.6, NM_001030003.3, NM_001258355.2 and 3 more transcripts).
Identifiers: ClinVar variation 338488 (VCV000338488.6), dbSNP rs548863430, ClinGen allele CA10653138.